The following is an entry in ClinVar:

ClinVar aggregate classification (germline): Uncertain significance (1 of 4 stars; one submission).

Submission:

Labcorp Genetics (formerly Invitae), Labcorp
Classification: Uncertain significance. Last evaluated: 2022-11-03. Review status: criteria provided, single submitter. Criteria: Invitae Variant Classification Sherloc (09022015). Collection method: clinical testing. Allele origin: germline.
Comment: ClinVar contains an entry for this variant (Variation ID: 1053798). This sequence change replaces serine, which is neutral and polar, with leucine, which is neutral and non-polar, at codon 542 of the RP1 protein (p.Ser542Leu). This variant is not present in population databases (gnomAD no frequency). This variant has not been reported in the literature in individuals affected with RP1-related conditions. Algorithms developed to predict the effect of missense changes on protein structure and function (SIFT, PolyPhen-2, Align-GVGD) all suggest that this variant is likely to be disruptive. In summary, the available evidence is currently insufficient to determine the role of this variant in disease. Therefore, it has been classified as a Variant of Uncertain Significance.

NM_006269.2(RP1):c.1625C>T (p.Ser542Leu)

Gene: RP1 (RP1 axonemal microtubule associated; plus strand). Cytogenetic location: 8q12.1.
Variant type: single nucleotide variant.
Coding change: c.1625C>T on transcript NM_006269.2 (MANE Select); coding-DNA position 1625, C replaced by T.
Protein change: p.Ser542Leu; replaces serine 542 with leucine.
Molecular consequence: missense variant. On other transcripts: intron variant (1).
Genome position (GRCh38, 1-based): chr8:54,625,507, C>T. VCF-style: chr8-54625507-C-T. GRCh37 (hg19) VCF-style: chr8-55538067-C-T.
Other names: c.787+3219C>T (NM_001375654.1); short protein forms S542L.
Identifiers: ClinVar variation 1053798 (VCV001053798.9), dbSNP rs779334655, ClinGen allele CA370991030.